The following is an entry in ClinVar:

ClinVar aggregate classification (germline): Conflicting classifications of pathogenicity. Review status: criteria provided, conflicting classifications (1 of 4 stars). 8 submissions from 7 submitters: Uncertain significance (3); Likely benign (3). 2 of the submissions do not count toward it. Last evaluated 2026-01-31.

Conditions:
Perrault syndrome. Also called: Gonadal dysgenesis with auditory dysfunction, autosomal recessive inheritance. Identifiers: Orphanet 2855, MedGen C0685838, MONDO:0017312.
Bifunctional peroxisomal enzyme deficiency (DBIF). Also called: PBFE DEFICIENCY; DBP DEFICIENCY; D-bifunctional protein deficiency. Identifiers: Orphanet 300, MedGen C0342870, MONDO:0009855, OMIM 261515. Disease mechanism: loss of function.
Perrault syndrome 1 (PRLTS1). Also called: GONADAL DYSGENESIS, XX TYPE, WITH DEAFNESS; OVARIAN DYSGENESIS WITH SENSORINEURAL DEAFNESS. Identifiers: Orphanet 2855, Orphanet 642945, MedGen C4551721, MONDO:0009300, OMIM 233400.
HSD17B4-related disorder. Also called: HSD17B4-related disorders; HSD17B4-related condition.

Allele frequency attached by ClinVar (database versions not stated): gnomAD 0.00004; gnomAD exomes 0.00006 and 0.00010; TOPMed 0.00006; ExAC 0.00008; 1000 Genomes Project 30x 0.00016; 1000 Genomes Project 0.00020.
gnomAD v4.1: 117 of 1,613,692 alleles (0.0073%); highest among the groups gnomAD compares: South Asian, 0.07%; no homozygotes.

Submissions (8):

Labcorp Genetics (formerly Invitae), Labcorp
Classification: Likely benign for Perrault syndrome; Bifunctional peroxisomal enzyme deficiency. Last evaluated: 2026-01-31. Review status: criteria provided, single submitter. Criteria: Invitae Variant Classification Sherloc (09022015). Collection method: clinical testing. Allele origin: germline.

Blueprint Genetics
Classification: Likely benign. Last evaluated: 2024-10-23. Review status: criteria provided, single submitter. Criteria: ACMG Guidelines, 2015. Collection method: clinical testing. Allele origin: germline.

GeneDx
Classification: Likely benign. Last evaluated: 2020-12-28. Review status: criteria provided, single submitter. Criteria: GeneDx Variant Classification Process June 2021. Collection method: clinical testing. Allele origin: germline. Affected: yes.

Illumina Laboratory Services, Illumina
Classification: Uncertain significance for Perrault syndrome 1. Last evaluated: 2018-01-13. Review status: criteria provided, single submitter. Criteria: ICSL Variant Classification Criteria 13 December 2019. Collection method: clinical testing. Allele origin: germline.

Illumina Laboratory Services, Illumina
Classification: Uncertain significance for Bifunctional peroxisomal enzyme deficiency. Last evaluated: 2018-01-13. Review status: criteria provided, single submitter. Criteria: ICSL Variant Classification Criteria 13 December 2019. Collection method: clinical testing. Allele origin: germline.

Eurofins Ntd Llc (ga)
Classification: Uncertain significance. Last evaluated: 2017-08-04. Review status: criteria provided, single submitter. Criteria: EGL Classification Definitions 2015. Collection method: clinical testing. Allele origin: germline. Observed: 2 variant alleles, 2 heterozygotes.

Natera, Inc.
Classification: Likely benign for Bifunctional peroxisomal enzyme deficiency. Last evaluated: 2020-01-30. Review status: no assertion criteria provided. Collection method: clinical testing. Allele origin: germline. Not counted in ClinVar's aggregate classification.

PreventionGenetics, part of Exact Sciences
Classification: Likely benign for HSD17B4-related condition. Last evaluated: 2019-08-14. Review status: no assertion criteria provided. Collection method: clinical testing. Allele origin: germline. Not counted in ClinVar's aggregate classification.
Comment: This variant is classified as likely benign based on ACMG/AMP sequence variant interpretation guidelines (Richards et al. 2015 PMID: 25741868, with internal and published modifications).

NM_000414.4(HSD17B4):c.1131C>T (p.Phe377=)

Gene: HSD17B4 (hydroxysteroid 17-beta dehydrogenase 4; plus strand). Cytogenetic location: 5q23.1.
Variant type: single nucleotide variant.
Coding change: c.1131C>T on transcript NM_000414.4 (MANE Select); coding-DNA position 1131, C replaced by T.
Protein change: p.Phe377=; no amino-acid change (phenylalanine 377 retained).
Molecular consequence: synonymous variant.
Genome position (GRCh38, 1-based): chr5:119,499,475, C>T. VCF-style: chr5-119499475-C-T. GRCh37 (hg19) VCF-style: chr5-118835170-C-T.
Other names: c.1206C>T, p.Phe402= (NM_001199291.3); c.1077C>T, p.Phe359= (NM_001199292.2); c.1059C>T, p.Phe353= (NM_001292027.2); c.711C>T, p.Phe237= (NM_001292028.2).
Identifiers: ClinVar variation 350465 (VCV000350465.27), dbSNP rs200347945, ClinGen allele CA3382094.